The following is an entry in ClinVar:

NM_006204.4(PDE6C):c.405_406del (p.Phe136fs)

Gene: PDE6C (phosphodiesterase 6C; plus strand). Cytogenetic location: 10q23.33.
Variant type: Microsatellite.
Coding change: c.405_406del on transcript NM_006204.4 (MANE Select); coding-DNA positions 405 to 406, 2 bases deleted (GT; older notation c.405_406delGT).
Protein change: p.Phe136fs; shifts the reading frame from phenylalanine 136.
Molecular consequence: frameshift variant.
Genome position (GRCh38, 1-based): chr10:93,613,130-93,613,131, GT deleted; deleting any 2 consecutive bases within chr10:93,613,127-93,613,131 gives the same sequence; the c. name uses the placement nearest the transcript's 3' end. VCF-style (leftmost placement, unchanged base first): chr10-93613126-TTG-T. GRCh37 (hg19) VCF-style: chr10-95372883-TTG-T.
Other names: short protein forms F136fs.
Identifiers: ClinVar variation 2007759 (VCV002007759.4), dbSNP rs2492492313, ClinGen allele CA2580615581.

ClinVar aggregate classification (germline): Pathogenic (1 of 4 stars; one submission).

Submission:

Labcorp Genetics (formerly Invitae), Labcorp
Classification: Pathogenic. Last evaluated: 2023-04-13. Review status: criteria provided, single submitter. Criteria: Invitae Variant Classification Sherloc (09022015). Collection method: clinical testing. Allele origin: germline.
Comment: For these reasons, this variant has been classified as Pathogenic. This variant has not been reported in the literature in individuals affected with PDE6C-related conditions. This variant is not present in population databases (gnomAD no frequency). This sequence change creates a premature translational stop signal (p.Phe136Serfs*18) in the PDE6C gene. It is expected to result in an absent or disrupted protein product. Loss-of-function variants in PDE6C are known to be pathogenic (PMID: 19887631, 23776498, 26103963, 30080950).

Literature cited by the submitters: PubMed 19887631; PubMed 23776498; PubMed 26103963; PubMed 30080950.